The following is an entry in ClinVar:

NM_001258392.3(CLPB):c.651G>A (p.Leu217=)

Gene: CLPB (caseinolytic mitochondrial matrix peptidase chaperone subunit B; minus strand). Cytogenetic location: 11q13.4.
Variant type: single nucleotide variant.
Coding change: c.651G>A on transcript NM_001258392.3 (MANE Select); coding-DNA position 651, G replaced by A.
Protein change: p.Leu217=; no amino-acid change (leucine 217 retained).
Molecular consequence: synonymous variant.
Genome position (GRCh38, 1-based): chr11:72,359,004, C>T on the plus strand (G>A on the coding strand, the complement: CLPB is on the minus strand). VCF-style: chr11-72359004-C-T. GRCh37 (hg19) VCF-style: chr11-72070048-C-T.
Other names: c.564G>A, p.Leu188= (NM_001258393.3); c.606G>A, p.Leu202= (NM_001258394.3); c.741G>A, p.Leu247= (NM_030813.6).
Identifiers: ClinVar variation 512554 (VCV000512554.1), dbSNP rs375214732, ClinGen allele CA475817117.
Genomic context (GRCh38, chr11:72,359,004, plus strand): 5'-GCAGCCCTTGAAACTGGCGCGGTTGTTCAGCCTGTTGTTGAAGTCATCCTCTCGGGTGAT[C>T]AGGACTGGGGAGACAGCAACACAAACCCTTCCATTAGCAACGACAGCATGAGCCACCAAT-3'
Protein context (NP_001245321.1, residues 207-227): KEQGIHSLEV[Leu217=]ITREDDFNNR

ClinVar aggregate classification (germline): Likely benign (1 of 4 stars; one submission).

Submission:

GeneDx
Classification: Likely benign. Last evaluated: 2017-10-23. Review status: criteria provided, single submitter. Criteria: GeneDx Variant Classification (06012015). Collection method: clinical testing. Allele origin: germline. Affected: yes.
Comment: This variant is considered likely benign or benign based on one or more of the following criteria: it is a conservative change, it occurs at a poorly conserved position in the protein, it is predicted to be benign by multiple in silico algorithms, and/or has population frequency not consistent with disease.